The following is an entry in ClinVar:

NM_001134363.3(RBM20):c.674del (p.Thr225fs)

Gene: RBM20 (RNA binding motif protein 20; plus strand). Cytogenetic location: 10q25.2.
Variant type: Deletion.
Coding change: c.674del on transcript NM_001134363.3 (MANE Select); coding-DNA position 674, one base deleted (C; older notation c.674delC).
Protein change: p.Thr225fs; shifts the reading frame from threonine 225.
Molecular consequence: frameshift variant.
Genome position (GRCh38, 1-based): chr10:110,781,283, C deleted. VCF-style (leftmost placement, unchanged base first): chr10-110781282-AC-A. GRCh37 (hg19) VCF-style: chr10-112541040-AC-A.
Other names: short protein forms T225fs.
Identifiers: ClinVar variation 4765711 (VCV004765711.1).

ClinVar aggregate classification (germline): Pathogenic (1 of 4 stars; one submission).

Conditions:
Dilated cardiomyopathy 1DD (CMD1DD). Identifiers: Orphanet 154, MedGen C2750995, MONDO:0013168, OMIM 613172.

Submission:

Labcorp Genetics (formerly Invitae), Labcorp
Classification: Pathogenic for Dilated cardiomyopathy 1DD. Last evaluated: 2025-11-21. Review status: criteria provided, single submitter. Criteria: Invitae Variant Classification Sherloc (09022015). Collection method: clinical testing. Allele origin: germline.
Comment: This sequence change creates a premature translational stop signal (p.Thr225Lysfs*37) in the RBM20 gene. It is expected to result in an absent or disrupted protein product. Loss-of-function variants in RBM20 are known to be pathogenic (PMID: 20590677, 22004663, 38288598, 38510713, 40339755). This variant is not present in population databases (gnomAD no frequency). This variant has not been reported in the literature in individuals affected with RBM20-related conditions. For these reasons, this variant has been classified as Pathogenic.

Literature cited by the submitters: PubMed 20590677; PubMed 22004663; PubMed 38288598; PubMed 38510713; PubMed 40339755.